The following is an entry in ClinVar:

NM_001252024.2(TRPM1):c.1688T>A (p.Met563Lys)

Gene: TRPM1 (transient receptor potential cation channel subfamily M member 1; minus strand). Cytogenetic location: 15q13.3.
Variant type: single nucleotide variant.
Coding change: c.1688T>A on transcript NM_001252024.2 (MANE Select); coding-DNA position 1688, T replaced by A.
Protein change: p.Met563Lys; replaces methionine 563 with lysine.
Molecular consequence: missense variant.
Genome position (GRCh38, 1-based): chr15:31,047,187, A>T on the plus strand (T>A on the coding strand, the complement: TRPM1 is on the minus strand). VCF-style: chr15-31047187-A-T. GRCh37 (hg19) VCF-style: chr15-31339390-A-T.
Other names: c.1739T>A, p.Met580Lys (NM_001252020.2); c.1622T>A, p.Met541Lys (NM_002420.6); short protein forms M541K, M563K, M580K.
Identifiers: ClinVar variation 1005666 (VCV001005666.5), dbSNP rs1261040173, ClinGen allele CA391515296.

ClinVar aggregate classification (germline): Conflicting classifications of pathogenicity. Review status: criteria provided, conflicting classifications (1 of 4 stars). 2 submissions from 2 submitters: Likely pathogenic (1); Uncertain significance (1). Last evaluated 2024-04-25.

Conditions:
TRPM1-related disorder. Also called: TRPM1-related condition.

Allele frequency attached by ClinVar (database versions not stated): gnomAD exomes below 0.00001 and 0.00001; TOPMed 0.00001; gnomAD 0.00003.
gnomAD v4.1: 17 of 1,614,078 alleles (0.0011%); highest among the groups gnomAD compares: Admixed American, 0.0017%; no homozygotes.

Submissions (2):

Blueprint Genetics
Classification: Likely pathogenic for TRPM1-related disorders. Last evaluated: 2024-04-25. Review status: criteria provided, single submitter. Criteria: ACMG Guidelines, 2015. Collection method: clinical testing. Allele origin: germline. Affected: yes. Observed: 5 variant alleles.

Labcorp Genetics (formerly Invitae), Labcorp
Classification: Uncertain significance. Last evaluated: 2023-10-05. Review status: criteria provided, single submitter. Criteria: Invitae Variant Classification Sherloc (09022015). Collection method: clinical testing. Allele origin: germline.
Comment: This sequence change replaces methionine, which is neutral and non-polar, with lysine, which is basic and polar, at codon 541 of the TRPM1 protein (p.Met541Lys). This variant is present in population databases (no rsID available, gnomAD 0.002%). This missense change has been observed in individual(s) with congenital stationary night blindness and/or myopia (PMID: 19896113). ClinVar contains an entry for this variant (Variation ID: 1005666). Advanced modeling of protein sequence and biophysical properties (such as structural, functional, and spatial information, amino acid conservation, physicochemical variation, residue mobility, and thermodynamic stability) has been performed at Invitae for this missense variant, however the output from this modeling did not meet the statistical confidence thresholds required to predict the impact of this variant on TRPM1 protein function. In summary, the available evidence is currently insufficient to determine the role of this variant in disease. Therefore, it has been classified as a Variant of Uncertain Significance.

Literature cited by the submitters: PubMed 19896113 (cited by Labcorp Genetics (formerly Invitae), Labcorp).